The following is an entry in ClinVar:

NM_024422.6(DSC2):c.835C>A (p.Arg279Ser)

Gene: DSC2 (desmocollin 2; minus strand). Cytogenetic location: 18q12.1.
Variant type: single nucleotide variant.
Coding change: c.835C>A on transcript NM_024422.6 (MANE Select); coding-DNA position 835, C replaced by A.
Protein change: p.Arg279Ser; replaces arginine 279 with serine.
Molecular consequence: missense variant.
Genome position (GRCh38, 1-based): chr18:31,086,683, G>T on the plus strand (C>A on the coding strand, the complement: DSC2 is on the minus strand). VCF-style: chr18-31086683-G-T. GRCh37 (hg19) VCF-style: chr18-28666646-G-T.
Other names: c.406C>A, p.Arg136Ser (NM_001406506.1, NM_001406507.1); c.835C>A, p.Arg279Ser (NM_004949.5); short protein forms R136S, R279S.
Identifiers: ClinVar variation 3704580 (VCV003704580.3).
Genomic context (GRCh38, chr18:31,086,683, plus strand): 5'-GATGCATAGAAAATAGGGTGGGTGATGGTGGCACCTGCCCAATGATGGAGTACTTCAGGC[G>T]TGTGTGCATCGTGTCAGGCTCATCTTTGTCAGTAGCACACACTTGTCCCACAGTAGTGCC-3'
Protein context (NP_077740.1, residues 269-289): DKDEPDTMHT[Arg279Ser]LKYSIIGQVP

ClinVar aggregate classification (germline): Conflicting classifications of pathogenicity. Review status: criteria provided, conflicting classifications (1 of 4 stars). 2 submissions from 2 submitters: Uncertain significance (1); Likely benign (1). Last evaluated 2025-07-25.

Conditions:
Cardiomyopathy (CMYO). Also called: Cardiomyopathies. Identifiers: Orphanet 167848, MedGen C0878544, MONDO:0004994, HP:0001638. Inheritance: Various modes of inheritance.
Arrhythmogenic right ventricular dysplasia 11. Also called: ARRHYTHMOGENIC RIGHT VENTRICULAR DYSPLASIA, FAMILIAL, 11; Arrhythmogenic Right Ventricular Dysplasia/Cardiomyopathy11; Arrhythmogenic right ventricular dysplasia 11 with mild palmoplantar keratoderma and woolly hair. Identifiers: MedGen C1864850, MONDO:0012506, OMIM 610476.

gnomAD v4.1: 2 of 1,614,030 alleles (0.00012%); highest among the groups gnomAD compares: Non-Finnish European, 0.00017%; no homozygotes.

Submissions (2):

Color Diagnostics, LLC DBA Color Health
Classification: Likely benign for Cardiomyopathy. Last evaluated: 2025-07-25. Review status: criteria provided, single submitter. Criteria: ACMG Guidelines, 2015. Collection method: clinical testing. Allele origin: germline.

Labcorp Genetics (formerly Invitae), Labcorp
Classification: Uncertain significance for Arrhythmogenic right ventricular dysplasia 11. Last evaluated: 2024-04-06. Review status: criteria provided, single submitter. Criteria: Invitae Variant Classification Sherloc (09022015). Collection method: clinical testing. Allele origin: germline.
Comment: This sequence change replaces arginine, which is basic and polar, with serine, which is neutral and polar, at codon 279 of the DSC2 protein (p.Arg279Ser). This variant is not present in population databases (gnomAD no frequency). This variant has not been reported in the literature in individuals affected with DSC2-related conditions. Advanced modeling of protein sequence and biophysical properties (such as structural, functional, and spatial information, amino acid conservation, physicochemical variation, residue mobility, and thermodynamic stability) performed at Invitae indicates that this missense variant is not expected to disrupt DSC2 protein function with a negative predictive value of 80%. In summary, the available evidence is currently insufficient to determine the role of this variant in disease. Therefore, it has been classified as a Variant of Uncertain Significance.